The following is an entry in ClinVar:

NM_000152.5(GAA):c.2716G>A (p.Val906Ile)

Gene: GAA (alpha glucosidase; plus strand). Cytogenetic location: 17q25.3.
Variant type: single nucleotide variant.
Coding change: c.2716G>A on transcript NM_000152.5 (MANE Select); coding-DNA position 2716, G replaced by A.
Protein change: p.Val906Ile; replaces valine 906 with isoleucine.
Molecular consequence: missense variant.
Genome position (GRCh38, 1-based): chr17:80,118,722, G>A. VCF-style: chr17-80118722-G-A. GRCh37 (hg19) VCF-style: chr17-78092521-G-A.
Other names: c.2716G>A, p.Val906Ile (NM_001079803.3, NM_001079804.3); short protein forms V906I.
Identifiers: ClinVar variation 871522 (VCV000871522.45), dbSNP rs2039415511, ClinGen allele CA401326980.
Genomic context (GRCh38, chr17:80,118,722, plus strand): 5'-GTGAATGAGCTGGTACGTGTGACCAGTGAGGGAGCTGGCCTGCAGCTGCAGAAGGTGACT[G>A]TCCTGGGCGTGGCCACGGCGCCCCAGCAGGTCCTCTCCAACGGTGTCCCTGTCTCCAACT-3'
Protein context (NP_000143.2, residues 896-916): GAGLQLQKVT[Val906Ile]LGVATAPQQV

ClinVar aggregate classification (germline): Conflicting classifications of pathogenicity. Review status: criteria provided, conflicting classifications (1 of 4 stars). 4 submissions from 4 submitters: Pathogenic (1); Uncertain significance (3). Last evaluated 2026-07-01.

Conditions:
Glycogen storage disease, type II (IOPD). Also called: Glycogen storage disease type 2; Acid maltase deficiency disease; Aglucosidase alfa; Deficiency of alpha-glucosidase; Deficiency of lysosomal alpha-glucosidase; POMPE DISEASE, INFANTILE-ONSET. Identifiers: Orphanet 365, MedGen C0017921, MONDO:0009290, OMIM 232300.

Submissions (4):

Genomenon, Inc
Classification: Uncertain significance for Glycogen storage disease, type II. Last evaluated: 2026-07-01. Review status: criteria provided, single submitter. Criteria: Genomenon Sequence Variant Interpretation Standards - Updated. Collection method: curation. Allele origin: germline. Affected: yes.
Comment: GAA p.Val906Ile (c.2716G>A) is a missense variant that changes the amino acid at codon 906 from Valine to Isoleucine. This variant has been observed in at least one proband with a GAA-related disorder in the compound heterozygous and/or homozygous state (PMID:29149851). It is absent or not present at a significant frequency in gnomAD. In silico models predict that this variant is not damaging. In conclusion, we classify GAA p.Val906Ile (c.2716G>A) as a variant of uncertain significance.

Labcorp Genetics (formerly Invitae), Labcorp
Classification: Uncertain significance for Glycogen storage disease, type II. Last evaluated: 2025-08-30. Review status: criteria provided, single submitter. Criteria: Invitae Variant Classification Sherloc (09022015). Collection method: clinical testing. Allele origin: germline.
Comment: This sequence change replaces valine, which is neutral and non-polar, with isoleucine, which is neutral and non-polar, at codon 906 of the GAA protein (p.Val906Ile). This variant is not present in population databases (gnomAD no frequency). This missense change has been observed in individual(s) with GAA-related conditions (PMID: 29149851, 32528171, 33560568, 40225932). ClinVar contains an entry for this variant (Variation ID: 871522). Invitae Evidence Modeling of protein sequence and biophysical properties (such as structural, functional, and spatial information, amino acid conservation, physicochemical variation, residue mobility, and thermodynamic stability) indicates that this missense variant is not expected to disrupt GAA protein function with a negative predictive value of 95%. In summary, the available evidence is currently insufficient to determine the role of this variant in disease. Therefore, it has been classified as a Variant of Uncertain Significance.

Women's Health and Genetics/Laboratory Corporation of America, LabCorp
Classification: Uncertain significance. Last evaluated: 2025-04-30. Review status: criteria provided, single submitter. Criteria: LabCorp Variant Classification Summary - May 2015. Collection method: clinical testing. Allele origin: germline.
Comment: Variant summary: GAA c.2716G>A (p.Val906Ile) results in a conservative amino acid change in the encoded protein sequence. Four of five in-silico tools predict a benign effect of the variant on protein function. The variant was absent in 250720 control chromosomes (gnomAD). The variant, c.2716G>A, has been observed in a compound heterozygous individual affected with adult-onset Glycogen Storage Disease, Type 2 (Pompe Disease) (Johnson_2017, Topf_2020, de Faria_2020, Nunes Campos_2024); this individual carried a second pathogenic variant, and had borderline / low normal GAA enzyme activity levels, consistent with the milder phenotype. In addition, the variant was reported in a large cohort of Pompe disease patients, in an individual with late-onset phenotype, who had below the normal GAA activity level (Balendran-Braun_2024), however the genotype was not provided in this report. These data indicate that the variant may be associated with disease. To our knowledge, no experimental evidence demonstrating an impact on protein function has been reported. The following publications have been ascertained in the context of this evaluation (PMID: 29149851, 32528171, 33560568, 39677172, 40225932). ClinVar contains an entry for this variant (Variation ID: 871522). Based on the evidence outlined above, the variant was classified as VUS-possibly pathogenic.

CeGaT Center for Human Genetics Tuebingen
Classification: Pathogenic. Last evaluated: 2019-07-01. Review status: criteria provided, single submitter. Criteria: CeGaT Center For Human Genetics Tuebingen Variant Classification Criteria Version 2. Collection method: clinical testing. Allele origin: germline. Affected: yes. Observed: 1 variant allele.

Literature cited by the submitters: PubMed 29149851 (cited by 3 submitters); PubMed 32528171 (cited by Labcorp Genetics (formerly Invitae), Labcorp and Women's Health and Genetics/Laboratory Corporation of America, LabCorp); PubMed 33560568 (cited by Labcorp Genetics (formerly Invitae), Labcorp and Women's Health and Genetics/Laboratory Corporation of America, LabCorp); PubMed 40225932 (cited by Labcorp Genetics (formerly Invitae), Labcorp and Women's Health and Genetics/Laboratory Corporation of America, LabCorp); PubMed 39677172 (cited by Women's Health and Genetics/Laboratory Corporation of America, LabCorp).